The following is an entry in ClinVar:

NM_182914.3(SYNE2):c.4578-4T>A

Gene: SYNE2 (spectrin repeat containing nuclear envelope protein 2; plus strand). Cytogenetic location: 14q23.2.
Variant type: single nucleotide variant.
Coding change: c.4578-4T>A on transcript NM_182914.3 (MANE Select); 4 bases into the intron before coding-DNA position 4578, T replaced by A.
Molecular consequence: intron variant.
Genome position (GRCh38, 1-based): chr14:64,009,962, T>A. VCF-style: chr14-64009962-T-A. GRCh37 (hg19) VCF-style: chr14-64476680-T-A.
Other names: c.4578-4T>A (NM_015180.6).
Identifiers: ClinVar variation 130499 (VCV000130499.21), dbSNP rs7146588, ClinGen allele CA155583.

ClinVar aggregate classification (germline): Benign. Review status: criteria provided, multiple submitters, no conflicts (2 of 4 stars). 7 submissions from 7 submitters: Benign (5). 2 of the submissions do not count toward it. Last evaluated 2026-02-04.

Conditions:
Emery-Dreifuss muscular dystrophy 5, autosomal dominant (EDMD5). Also called: EMERY-DREIFUSS MUSCULAR DYSTROPHY 5. Identifiers: Orphanet 261, MedGen C2751805, MONDO:0013072, OMIM 612999.

Allele frequency attached by ClinVar (database versions not stated): gnomAD exomes 0.24051; ExAC 0.24253; ESP Exome Variant Server 0.30453; gnomAD 0.30679; TOPMed 0.33139; 1000 Genomes Project 0.35024; 1000 Genomes Project 30x 0.36024.
gnomAD v4.1: 339,561 of 1,611,048 alleles (21%); highest among the groups gnomAD compares: African/African-American, 59%; 43,218 homozygotes.

Submissions (7):

Labcorp Genetics (formerly Invitae), Labcorp
Classification: Benign for Emery-Dreifuss muscular dystrophy 5, autosomal dominant. Last evaluated: 2026-02-04. Review status: criteria provided, single submitter. Criteria: Invitae Variant Classification Sherloc (09022015). Collection method: clinical testing. Allele origin: germline.

GeneDx
Classification: Benign. Last evaluated: 2018-07-09. Review status: criteria provided, single submitter. Criteria: GeneDx Variant Classification Process June 2021. Collection method: clinical testing. Allele origin: germline. Affected: yes.

Illumina Laboratory Services, Illumina
Classification: Benign for Emery-Dreifuss muscular dystrophy 5, autosomal dominant. Last evaluated: 2018-01-13. Review status: criteria provided, single submitter. Criteria: ICSL Variant Classification Criteria 13 December 2019. Collection method: clinical testing. Allele origin: germline.
Comment: This variant was observed in the ICSL laboratory as part of a predisposition screen in an ostensibly healthy population. It had not been previously curated by ICSL or reported in the Human Gene Mutation Database (HGMD: prior to June 1st, 2018), and was therefore a candidate for classification through an automated scoring system. Utilizing variant allele frequency, disease prevalence and penetrance estimates, and inheritance mode, an automated score was calculated to assess if this variant is too frequent to cause the disease. Based on the score and internal cut-off values, a variant classified as benign is not then subjected to further curation. The score for this variant resulted in a classification of benign for this disease.

Genetic Services Laboratory, University of Chicago
Classification: Benign for AllHighlyPenetrant. Last evaluated: 2013-08-15. Review status: criteria provided, single submitter. Criteria: ACMG Guidelines, 2007. Collection method: clinical testing. Allele origin: germline. Inheritance: Autosomal dominant inheritance.

Breakthrough Genomics
Classification: Benign. Review status: criteria provided, single submitter. Criteria: ACMG Guidelines, 2015. Collection method: not provided. Allele origin: germline. Inheritance: Autosomal dominant inheritance. Affected: yes.

Clinical Genetics, Academic Medical Center
Classification: Benign. Review status: no assertion criteria provided. Collection method: clinical testing. Allele origin: germline. Affected: yes. Study: VKGL Data-share Consensus. Not counted in ClinVar's aggregate classification.

Diagnostic Laboratory, Department of Genetics, University Medical Center Groningen
Classification: Benign for Emery-Dreifuss muscular dystrophy 5, autosomal dominant. Review status: no assertion criteria provided. Collection method: clinical testing. Allele origin: germline. Affected: yes. Study: VKGL Data-share Consensus. Not counted in ClinVar's aggregate classification.